The following is an entry in ClinVar:

NM_002528.7(NTHL1):c.886G>T (p.Ala296Ser)

Gene: NTHL1 (nth like DNA glycosylase 1; minus strand). Cytogenetic location: 16p13.3.
Variant type: single nucleotide variant.
Coding change: c.886G>T on transcript NM_002528.7 (MANE Select); coding-DNA position 886, G replaced by T.
Protein change: p.Ala296Ser; replaces alanine 296 with serine.
Molecular consequence: missense variant.
Genome position (GRCh38, 1-based): chr16:2,039,953, C>A on the plus strand (G>T on the coding strand, the complement: NTHL1 is on the minus strand). VCF-style: chr16-2039953-C-A. GRCh37 (hg19) VCF-style: chr16-2089954-C-A.
Other names: c.715G>T, p.Ala239Ser (NM_001318193.2); c.556G>T, p.Ala186Ser (NM_001318194.2); short protein forms A186S, A239S, A296S.
Identifiers: ClinVar variation 5025899 (VCV005025899.1).

ClinVar aggregate classification (germline): Uncertain significance (1 of 4 stars; one submission).

Conditions:
Hereditary cancer-predisposing syndrome. Also called: Neoplastic Syndromes, Hereditary; Tumor predisposition; Hereditary neoplastic syndrome; Hereditary Cancer Syndrome. Identifiers: Orphanet 140162, MedGen C0027672, MeSH D009386, MONDO:0015356.

Submission:

Ambry Genetics
Classification: Uncertain significance for Hereditary cancer-predisposing syndrome. Last evaluated: 2026-07-07. Review status: criteria provided, single submitter. Criteria: Ambry Variant Classification Scheme 2023. Collection method: clinical testing. Allele origin: germline.
Comment: The p.A304S variant (also known as c.910G>T), located in coding exon 6 of the NTHL1 gene, results from a G to T substitution at nucleotide position 910. The alanine at codon 304 is replaced by serine, an amino acid with similar properties. This amino acid position is conserved. In addition, this alteration is predicted to be tolerated by in silico analysis. Based on the available evidence, the clinical significance of this variant remains unclear.